The following is an entry in ClinVar:

NM_182641.4(BPTF):c.5255A>C (p.Asp1752Ala)

Gene: BPTF (bromodomain PHD finger transcription factor; plus strand). Cytogenetic location: 17q24.2.
Variant type: single nucleotide variant.
Coding change: c.5255A>C on transcript NM_182641.4 (MANE Select); coding-DNA position 5255, A replaced by C.
Protein change: p.Asp1752Ala; replaces aspartic acid 1752 with alanine.
Molecular consequence: missense variant.
Genome position (GRCh38, 1-based): chr17:67,913,139, A>C. VCF-style: chr17-67913139-A-C. GRCh37 (hg19) VCF-style: chr17-65909255-A-C.
Other names: c.5633A>C, p.Asp1878Ala (NM_004459.7); short protein forms D1752A, D1878A.
Identifiers: ClinVar variation 3901944 (VCV003901944.1).

ClinVar aggregate classification (germline): Uncertain significance (1 of 4 stars; one submission).

Conditions:
Neurodevelopmental disorder with dysmorphic facies and distal limb anomalies. Identifiers: Orphanet 686482, MedGen C4540327, MONDO:0060596, OMIM 617755.

Submission:

Laboratorio de Genetica e Diagnostico Molecular, Hospital Israelita Albert Einstein
Classification: Uncertain significance for Neurodevelopmental disorder with dysmorphic facies and distal limb anomalies. Last evaluated: 2024-06-21. Review status: criteria provided, single submitter. Criteria: ACMG Guidelines, 2015. Collection method: clinical testing. Allele origin: germline. Affected: yes.
Comment: ACMG classification criteria: PM2 supporting, PP2 supporting